The following is an entry in ClinVar:

ClinVar aggregate classification (germline): Uncertain significance. Review status: criteria provided, multiple submitters, no conflicts (2 of 4 stars). 2 submissions from 2 submitters: Uncertain significance (2). Last evaluated 2025-05-12.

Conditions:
Wiedemann-Steiner syndrome (WDSTS). Also called: Growth deficiency and mental retardation with facial dysmorphism. Identifiers: Orphanet 319182, MedGen C1854630, MONDO:0011518, OMIM 605130.

Allele frequency attached by ClinVar (database versions not stated): gnomAD exomes below 0.00001.
gnomAD v4.1: 1 of 1,614,198 alleles (0.000062%); highest among the groups gnomAD compares: Non-Finnish European, 0.000085%; no homozygotes.

Submissions (2):

Labcorp Genetics (formerly Invitae), Labcorp
Classification: Uncertain significance. Last evaluated: 2025-05-12. Review status: criteria provided, single submitter. Criteria: Invitae Variant Classification Sherloc (09022015). Collection method: clinical testing. Allele origin: germline.
Comment: This sequence change replaces threonine, which is neutral and polar, with alanine, which is neutral and non-polar, at codon 2237 of the KMT2A protein (p.Thr2237Ala). This variant is not present in population databases (gnomAD no frequency). This variant has not been reported in the literature in individuals affected with KMT2A-related conditions. ClinVar contains an entry for this variant (Variation ID: 1382469). Invitae Evidence Modeling of protein sequence and biophysical properties (such as structural, functional, and spatial information, amino acid conservation, physicochemical variation, residue mobility, and thermodynamic stability) indicates that this missense variant is not expected to disrupt KMT2A protein function with a negative predictive value of 95%. In summary, the available evidence is currently insufficient to determine the role of this variant in disease. Therefore, it has been classified as a Variant of Uncertain Significance.

Victorian Clinical Genetics Services, Murdoch Childrens Research Institute
Classification: Uncertain significance for Wiedemann-Steiner syndrome. Last evaluated: 2019-08-28. Review status: criteria provided, single submitter. Criteria: ACMG Guidelines, 2015. Collection method: clinical testing. Allele origin: germline. Inheritance: Autosomal dominant inheritance.
Comment: A heterozygous missense variant was identified, NM_001197104.1(KMT2A):c.6709A>G in exon 27 of 36 of the KMT2A gene. This substitution is predicted to create a minor amino acid change from threonine to alanine at position 2237 of the protein, NP_001184033.1(KMT2A):p.(Thr2237Ala). The threonine at this position has low conservation (100 vertebrates, UCSC), but is not situated in a known functional domain. In silico software predicts this variant to be benign (Polyphen, SIFT, CADD, Mutation Taster). The variant is not present in the gnomAD population database and has not been previously reported in clinical cases. Based on information available at the time of curation, this variant has been classified as a VARIANT of UNCERTAIN SIGNIFICANCE (VUS) with LOW CLINICAL RELEVANCE.

NM_001197104.2(KMT2A):c.6709A>G (p.Thr2237Ala)

Gene: KMT2A (lysine methyltransferase 2A; plus strand). Cytogenetic location: 11q23.3.
Variant type: single nucleotide variant.
Coding change: c.6709A>G on transcript NM_001197104.2 (MANE Select); coding-DNA position 6709, A replaced by G.
Protein change: p.Thr2237Ala; replaces threonine 2237 with alanine.
Molecular consequence: missense variant.
Genome position (GRCh38, 1-based): chr11:118,502,601, A>G. VCF-style: chr11-118502601-A-G. GRCh37 (hg19) VCF-style: chr11-118373316-A-G.
Other names: c.6700A>G, p.Thr2234Ala (NM_005933.4); short protein forms T2234A, T2237A.
Identifiers: ClinVar variation 1382469 (VCV001382469.7), dbSNP rs1950517622, ClinGen allele CA382802760.
Genomic context (GRCh38, chr11:118,502,601, plus strand): 5'-AGAACTGGGAATACTTACTCTAGGAATAATGTTTCCTCAGTCTCCACCACCGGGACCGCT[A>G]CTGATCTTGAATCAAGTGCCAAAGTAGTTGATCATGTCTTAGGGCCACTGAATTCAAGTA-3'
Protein context (NP_001184033.1, residues 2227-2247): VSSVSTTGTA[Thr2237Ala]DLESSAKVVD